The following is an entry in ClinVar:

ClinVar aggregate classification (germline): Uncertain significance (1 of 4 stars; one submission).

Submission:

GeneDx
Classification: Uncertain significance. Last evaluated: 2024-12-07. Review status: criteria provided, single submitter. Criteria: GeneDx Variant Classification Process June 2021. Collection method: clinical testing. Allele origin: germline. Affected: yes.
Comment: Not observed at significant frequency in large population cohorts (gnomAD); In silico analysis supports that this missense variant has a deleterious effect on protein structure/function; Has not been previously published as pathogenic or benign to our knowledge

NM_003931.3(WASF1):c.583A>G (p.Arg195Gly)

Gene: WASF1 (WASP family member 1; minus strand). Cytogenetic location: 6q21.
Variant type: single nucleotide variant.
Coding change: c.583A>G on transcript NM_003931.3 (MANE Select); coding-DNA position 583, A replaced by G.
Protein change: p.Arg195Gly; replaces arginine 195 with glycine.
Molecular consequence: missense variant.
Genome position (GRCh38, 1-based): chr6:110,105,537, T>C on the plus strand (A>G on the coding strand, the complement: WASF1 is on the minus strand). VCF-style: chr6-110105537-T-C. GRCh37 (hg19) VCF-style: chr6-110426740-T-C.
Other names: c.583A>G, p.Arg195Gly (NM_001024934.2, NM_001024935.2, NM_001024936.2); short protein forms R195G.
Identifiers: ClinVar variation 3901434 (VCV003901434.1).